The following is an entry in ClinVar:

ClinVar aggregate classification (germline): Uncertain significance. Review status: criteria provided, multiple submitters, no conflicts (2 of 4 stars). 4 submissions from 4 submitters: Uncertain significance (4). Last evaluated 2024-12-16.

Conditions:
Inborn genetic diseases. Identifiers: MedGen C0950123, MeSH D030342.

Allele frequency attached by ClinVar (database versions not stated): ESP Exome Variant Server 0.00008; TOPMed 0.00011; gnomAD 0.00018 and 0.00019; ExAC 0.00020.
gnomAD v4.1: 172 of 1,547,350 alleles (0.011%); highest among the groups gnomAD compares: African/African-American, 0.015%; no homozygotes.

Submissions (4):

GeneDx
Classification: Uncertain significance. Last evaluated: 2024-12-16. Review status: criteria provided, single submitter. Criteria: GeneDx Variant Classification Process June 2021. Collection method: clinical testing. Allele origin: germline. Affected: yes.
Comment: In silico analysis, which includes protein predictors and evolutionary conservation, supports a deleterious effect; Has not been previously published as pathogenic or benign to our knowledge

Labcorp Genetics (formerly Invitae), Labcorp
Classification: Uncertain significance. Last evaluated: 2024-11-18. Review status: criteria provided, single submitter. Criteria: Invitae Variant Classification Sherloc (09022015). Collection method: clinical testing. Allele origin: germline.
Comment: This sequence change replaces arginine, which is basic and polar, with cysteine, which is neutral and slightly polar, at codon 1960 of the TRIOBP protein (p.Arg1960Cys). This variant is present in population databases (rs368774500, gnomAD 0.04%). This variant has not been reported in the literature in individuals affected with TRIOBP-related conditions. ClinVar contains an entry for this variant (Variation ID: 1307112). An algorithm developed to predict the effect of missense changes on protein structure and function (PolyPhen-2) suggests that this variant is likely to be disruptive. In summary, the available evidence is currently insufficient to determine the role of this variant in disease. Therefore, it has been classified as a Variant of Uncertain Significance.

CeGaT Center for Human Genetics Tuebingen
Classification: Uncertain significance. Last evaluated: 2022-10-01. Review status: criteria provided, single submitter. Criteria: CeGaT Center For Human Genetics Tuebingen Variant Classification Criteria Version 2. Collection method: clinical testing. Allele origin: germline. Affected: yes. Observed: 1 variant allele.

Ambry Genetics
Classification: Uncertain significance for Inborn genetic diseases. Last evaluated: 2021-06-11. Review status: criteria provided, single submitter. Criteria: Ambry Variant Classification Scheme 2023. Collection method: clinical testing. Allele origin: germline.

NM_001039141.3(TRIOBP):c.5878C>T (p.Arg1960Cys)

Gene: TRIOBP (TRIO and F-actin binding protein; plus strand). Cytogenetic location: 22q13.1.
Variant type: single nucleotide variant.
Coding change: c.5878C>T on transcript NM_001039141.3 (MANE Select); coding-DNA position 5878, C replaced by T.
Protein change: p.Arg1960Cys; replaces arginine 1960 with cysteine.
Molecular consequence: missense variant.
Genome position (GRCh38, 1-based): chr22:37,757,803, C>T. VCF-style: chr22-37757803-C-T. GRCh37 (hg19) VCF-style: chr22-38153810-C-T.
Other names: c.739C>T, p.Arg247Cys (NM_007032.5, NM_138632.2); short protein forms R1960C, R247C.
Identifiers: ClinVar variation 1307112 (VCV001307112.34), dbSNP rs368774500, ClinGen allele CA10224838.